The following is an entry in ClinVar:

ClinVar aggregate classification (germline): Uncertain significance (1 of 4 stars; one submission).

Submission:

Ambry Genetics
Classification: Uncertain significance. Last evaluated: 2024-02-22. Review status: criteria provided, single submitter. Criteria: Ambry Variant Classification Scheme 2023. Collection method: clinical testing. Allele origin: germline.
Comment: The p.N16Y variant (also known as c.46A>T), located in coding exon 1 of the KIF1B gene, results from an A to T substitution at nucleotide position 46. The asparagine at codon 16 is replaced by tyrosine, an amino acid with dissimilar properties. This amino acid position is conserved. In addition, this alteration is predicted to be deleterious by in silico analysis. Based on the available evidence, the clinical significance of this alteration remains unclear.

NM_001365951.3(KIF1B):c.46A>T (p.Asn16Tyr)

Genes: KIF1B (kinesin family member 1B; plus strand), LOC129388446 (MPRA-validated peak64 silencer; plus strand). Cytogenetic location: 1p36.22.
Variant type: single nucleotide variant.
Coding change: c.46A>T on transcript NM_001365951.3 (MANE Select); coding-DNA position 46, A replaced by T.
Protein change: p.Asn16Tyr; replaces asparagine 16 with tyrosine.
Molecular consequence: missense variant.
Genome position (GRCh38, 1-based): chr1:10,232,374, A>T. VCF-style: chr1-10232374-A-T. GRCh37 (hg19) VCF-style: chr1-10292432-A-T.
Other names: c.46A>T, p.Asn16Tyr (NM_001365952.1, NM_001365953.1, NM_015074.3 and 1 more transcripts); short protein forms N16Y.
Identifiers: ClinVar variation 3226514 (VCV003226514.1), dbSNP rs2523352691, ClinGen allele CA338315939.